The following is an entry in ClinVar:

NM_001382567.1(STIM1):c.30G>A (p.Trp10Ter)

Gene: STIM1 (stromal interaction molecule 1; plus strand). Cytogenetic location: 11p15.4.
Variant type: single nucleotide variant.
Coding change: c.30G>A on transcript NM_001382567.1 (MANE Select); coding-DNA position 30, G replaced by A.
Protein change: p.Trp10Ter; replaces tryptophan 10 with a stop codon.
Molecular consequence: nonsense. On other transcripts: intron variant (10), 5 prime UTR variant (1), non-coding transcript variant (3), missense variant (1).
Genome position (GRCh38, 1-based): chr11:3,856,300, G>A. VCF-style: chr11-3856300-G-A. GRCh37 (hg19) VCF-style: chr11-3877530-G-A.
Other names: c.30G>A, p.Trp10Ter (NM_001277961.3, NM_001277962.2, NM_001382572.1 and 3 more transcripts); c.-84+884G>A (NM_001382573.1, NM_001382566.1, NM_001382579.1 and 1 more transcripts); c.-208G>A (NM_001382571.1); c.-84+1564G>A (NM_001382578.1, NM_001382575.1, NM_001382574.1); c.-220+1564G>A (NM_001382580.1, NM_001382581.1); c.-84+1646G>A (NM_001382576.1); c.26G>A, p.Gly9Asp (NM_001382569.1); short protein forms G9D, W10*.
Identifiers: ClinVar variation 3755531 (VCV003755531.2).

ClinVar aggregate classification (germline): Pathogenic (1 of 4 stars; one submission).

Conditions:
Stormorken syndrome (STRMK). Also called: THROMBOCYTOPATHY, ASPLENIA, AND MIOSIS. Identifiers: Orphanet 3204, MedGen C1861451, MONDO:0008497, OMIM 185070.
Myopathy with tubular aggregates (TAM). Also called: Tubular Aggregate Myopathy. Identifiers: Orphanet 2593, MedGen C0410207, MONDO:0008051.
Combined immunodeficiency due to STIM1 deficiency. Also called: STIM1 DEFICIENCY; IMMUNODEFICIENCY 10. Identifiers: Orphanet 169090, Orphanet 317430, MedGen C2748557, MONDO:0013008, OMIM 612783.

Submission:

Labcorp Genetics (formerly Invitae), Labcorp
Classification: Pathogenic for Myopathy with tubular aggregates; Combined immunodeficiency due to STIM1 deficiency; Stormorken syndrome. Last evaluated: 2024-04-12. Review status: criteria provided, single submitter. Criteria: Invitae Variant Classification Sherloc (09022015). Collection method: clinical testing. Allele origin: germline.
Comment: This sequence change creates a premature translational stop signal (p.Trp10*) in the STIM1 gene. It is expected to result in an absent or disrupted protein product. Loss-of-function variants in STIM1 are known to be pathogenic (PMID: 19420366, 20876309). This variant is not present in population databases (gnomAD no frequency). This variant has not been reported in the literature in individuals affected with STIM1-related conditions. For these reasons, this variant has been classified as Pathogenic.

Literature cited by the submitters: PubMed 19420366; PubMed 20876309.